The following is an entry in ClinVar:

ClinVar aggregate classification (germline): Uncertain significance (1 of 4 stars; one submission).

Conditions:
Joubert syndrome. Also called: JOUBERT-BOLTSHAUSER SYNDROME; Familial aplasia of the vermis. Identifiers: Orphanet 475, MedGen C5979921, MONDO:0018772.
Meckel-Gruber syndrome. Also called: DYSENCEPHALIA SPLANCHNOCYSTICA; GRUBER SYNDROME; Dysencephalia splachnocystica. Identifiers: Orphanet 564, MedGen C0265215, MONDO:0018921.

Allele frequency attached by ClinVar (database versions not stated): gnomAD exomes below 0.00001; ExAC 0.00002.
gnomAD v4.1: 4 of 1,611,912 alleles (0.00025%); highest among the groups gnomAD compares: South Asian, 0.0011%; no homozygotes.

Submission:

Labcorp Genetics (formerly Invitae), Labcorp
Classification: Uncertain significance for Joubert syndrome; Meckel-Gruber syndrome. Last evaluated: 2025-04-08. Review status: criteria provided, single submitter. Criteria: Invitae Variant Classification Sherloc (09022015). Collection method: clinical testing. Allele origin: germline.
Comment: This sequence change replaces arginine, which is basic and polar, with cysteine, which is neutral and slightly polar, at codon 1406 of the CC2D2A protein (p.Arg1406Cys). This variant is present in population databases (rs781779336, gnomAD 0.002%). This variant has not been reported in the literature in individuals affected with CC2D2A-related conditions. ClinVar contains an entry for this variant (Variation ID: 2064321). Invitae Evidence Modeling of protein sequence and biophysical properties (such as structural, functional, and spatial information, amino acid conservation, physicochemical variation, residue mobility, and thermodynamic stability) indicates that this missense variant is not expected to disrupt CC2D2A protein function with a negative predictive value of 95%. In summary, the available evidence is currently insufficient to determine the role of this variant in disease. Therefore, it has been classified as a Variant of Uncertain Significance.

NM_001378615.1(CC2D2A):c.4216C>T (p.Arg1406Cys)

Genes: CC2D2A (coiled-coil and C2 domain containing 2A; plus strand), FBXL5 (F-box and leucine rich repeat protein 5; minus strand). Cytogenetic location: 4p15.32.
Variant type: single nucleotide variant.
Coding change: c.4216C>T on transcript NM_001378615.1 (MANE Select); coding-DNA position 4216, C replaced by T.
Protein change: p.Arg1406Cys; replaces arginine 1406 with cysteine.
Molecular consequence: missense variant.
Genome position (GRCh38, 1-based): chr4:15,589,581, C>T. VCF-style: chr4-15589581-C-T. GRCh37 (hg19) VCF-style: chr4-15591204-C-T.
Other names: c.4216C>T, p.Arg1406Cys (NM_001080522.2); c.4069C>T, p.Arg1357Cys (NM_001378617.1); short protein forms R1357C, R1406C.
Identifiers: ClinVar variation 2064321 (VCV002064321.4), dbSNP rs781779336, ClinGen allele CA2864355.
Genomic context (GRCh38, chr4:15,589,581, plus strand): 5'-GTTTTAATGGCCATCTTCTTTCAGGGTCCAACTGCCTATGTGCTAACTTGGGAGCAAGGT[C>T]GTTATTTAATATGGAATCCCTGCAGTGGACATTTTTATGGACAATTTGATACATTCTGTC-3'
Protein context (NP_001365544.1, residues 1396-1416): TAYVLTWEQG[Arg1406Cys]YLIWNPCSGH